The following is an entry in ClinVar:

ClinVar aggregate classification (germline): Likely benign. Review status: criteria provided, multiple submitters, no conflicts (2 of 4 stars). 2 submissions from 2 submitters: Likely benign (2). Last evaluated 2026-07-31.

Conditions:
BBS2-related disorder. Also called: BBS2-related condition; BBS2-related disorders. Identifiers: MedGen CN239228.
Bardet-Biedl syndrome (BBS). Identifiers: Orphanet 110, MedGen C0752166, MONDO:0015229.

Allele frequency attached by ClinVar (database versions not stated): gnomAD exomes below 0.00001; TOPMed below 0.00001; gnomAD 0.00001.
gnomAD v4.1: 2 of 1,613,688 alleles (0.00012%); highest among the groups gnomAD compares: Non-Finnish European, 0.00017%; no homozygotes.

Submissions (2):

PreventionGenetics, part of Exact Sciences
Classification: Likely benign for BBS2-related condition. Last evaluated: 2026-07-31. Review status: criteria provided, single submitter. Criteria: ACMG Guidelines, 2015. Collection method: clinical testing. Allele origin: germline.
Comment: This variant is classified as likely benign based on ACMG/AMP sequence variant interpretation guidelines (Richards et al. 2015 PMID: 25741868, with internal and published modifications).

Labcorp Genetics (formerly Invitae), Labcorp
Classification: Likely benign for Bardet-Biedl syndrome. Last evaluated: 2025-10-27. Review status: criteria provided, single submitter. Criteria: Invitae Variant Classification Sherloc (09022015). Collection method: clinical testing. Allele origin: germline.

NM_031885.5(BBS2):c.66G>T (p.Gly22=)

Gene: BBS2 (Bardet-Biedl syndrome 2; minus strand). Cytogenetic location: 16q13.
Variant type: single nucleotide variant.
Coding change: c.66G>T on transcript NM_031885.5 (MANE Select); coding-DNA position 66, G replaced by T.
Protein change: p.Gly22=; no amino-acid change (glycine 22 retained).
Molecular consequence: synonymous variant. On other transcripts: non-coding transcript variant (5).
Genome position (GRCh38, 1-based): chr16:56,519,797, C>A on the plus strand (G>T on the coding strand, the complement: BBS2 is on the minus strand). VCF-style: chr16-56519797-C-A. GRCh37 (hg19) VCF-style: chr16-56553709-C-A.
Other names: c.66G>T (NM_031885.3); c.66G>T, p.Gly22= (NM_001377456.1).
Identifiers: ClinVar variation 1121862 (VCV001121862.11), dbSNP rs1348539618, ClinGen allele CA495588923.
Genomic context (GRCh38, chr16:56,519,797, plus strand): 5'-AGCGGTTACCTTGCCCGTTTGGGTGGCGGCCGCCAGGCACGGGTGAGTCCCGTCGTAGCG[C>A]CCTATGGCCACCATTCGGGGGCTGATTTTGTGGCGCAGTTTCAGGGTGAACACAGGCAGC-3'
Protein context (NP_114091.4, residues 12-32): HKISPRMVAI[Gly22=]RYDGTHPCLA